The following is an entry in ClinVar:

NM_005120.3(MED12):c.3163T>A (p.Cys1055Ser)

Gene: MED12 (mediator complex subunit 12; plus strand). Cytogenetic location: Xq13.1.
Variant type: single nucleotide variant.
Coding change: c.3163T>A on transcript NM_005120.3 (MANE Select); coding-DNA position 3163, T replaced by A.
Protein change: p.Cys1055Ser; replaces cysteine 1055 with serine.
Molecular consequence: missense variant.
Genome position (GRCh38, 1-based): chrX:71,128,074, T>A. VCF-style: chrX-71128074-T-A. GRCh37 (hg19) VCF-style: chrX-70347924-T-A.
Other names: short protein forms C1055S.
Identifiers: ClinVar variation 1371826 (VCV001371826.6), dbSNP rs2147801044, ClinGen allele CA413517651.

ClinVar aggregate classification (germline): Uncertain significance (1 of 4 stars; one submission).

Conditions:
FG syndrome (FGS). Identifiers: MedGen C0220769, MONDO:0002010.

Submission:

Labcorp Genetics (formerly Invitae), Labcorp
Classification: Uncertain significance for FG syndrome. Last evaluated: 2021-08-06. Review status: criteria provided, single submitter. Criteria: Invitae Variant Classification Sherloc (09022015). Collection method: clinical testing. Allele origin: germline.
Comment: In summary, the available evidence is currently insufficient to determine the role of this variant in disease. Therefore, it has been classified as a Variant of Uncertain Significance. Algorithms developed to predict the effect of missense changes on protein structure and function are either unavailable or do not agree on the potential impact of this missense change (SIFT: "Deleterious"; PolyPhen-2: "Benign"; Align-GVGD: "Class C0"). This variant has not been reported in the literature in individuals affected with MED12-related conditions. This variant is not present in population databases (ExAC no frequency). This sequence change replaces cysteine with serine at codon 1055 of the MED12 protein (p.Cys1055Ser). The cysteine residue is highly conserved and there is a moderate physicochemical difference between cysteine and serine.